The following is an entry in ClinVar:

ClinVar aggregate classification (germline): Likely pathogenic (1 of 4 stars; one submission).

Conditions:
Neurofibromatosis, type 1 (NF1). Also called: NEUROFIBROMATOSIS, TYPE I, SOMATIC; VON RECKLINGHAUSEN DISEASE; Peripheral type neurofibromatosis; Neurofibromatosis, type I. Identifiers: Orphanet 636, MedGen C0027831, MONDO:0018975, OMIM 162200. Disease mechanism: loss of function.

Submission:

GeneDx
Classification: Likely pathogenic. Last evaluated: 2018-07-20. Review status: criteria provided, single submitter. Criteria: GeneDx Variant Classification (06012015). Collection method: clinical testing. Allele origin: germline. Affected: yes.
Comment: The variant is not observed in large population cohorts (Lek et al., 2016). The variant results in the in-frame deletion of Arginine 601. In summary, we consider this to be a likely pathogenic variant.

NM_001042492.3(NF1):c.1801_1803del (p.Arg601del)

Gene: NF1 (neurofibromin 1; plus strand). Cytogenetic location: 17q11.2.
Variant type: Deletion.
Coding change: c.1801_1803del on transcript NM_001042492.3 (MANE Select); coding-DNA positions 1801 to 1803, 3 bases deleted (CGG; older notation c.1801_1803delCGG).
Protein change: p.Arg601del; deletes arginine 601.
Molecular consequence: inframe deletion. On other transcripts: inframe indel (1).
Genome position (GRCh38, 1-based): chr17:31,223,523-31,223,525, CGG deleted; deleting any 3 consecutive bases within chr17:31,223,522-31,223,525 gives the same sequence; the c. name uses the placement nearest the transcript's 3' end. VCF-style (leftmost placement, unchanged base first): chr17-31223521-TGCG-T. GRCh37 (hg19) VCF-style: chr17-29550539-TGCG-T.
Other names: c.1801_1803delCGG (NM_000267.3); c.1801_1803delCGG, p.Arg601del (NM_000267.4); short protein forms R601del.
Identifiers: ClinVar variation 546244 (VCV000546244.4), dbSNP rs1555613421, ClinGen allele CA658825055.
Genomic context (GRCh38, chr17:31,223,521, plus strand): 5'-ACATCTGCAAGAAATTAACTAGTCATCAAATGCTTAGTAGCACAGAAATTCTCAAGTGGT[TGCG>T]GGAAATATTGATCTGCAGGAATAAATTTCTTCTTAAAAATAAGGTAAGCAAAATGACATA-3'